The following is an entry in ClinVar:

ClinVar aggregate classification (germline): Uncertain significance (1 of 4 stars; one submission).

Submission:

Medical Genetic Center, Changzhi Maternal and Child Health Care Hospital
Classification: Uncertain significance. Last evaluated: 2025-12-10. Review status: criteria provided, single submitter. Criteria: ACMG/ClinGen CNV Guidelines, 2019. Collection method: clinical testing. Allele origin: unknown.
Comment: 1A, ITPR1 partial duplication (NM_001378452.1, exon 1-4)

GRCh38/hg38 3p26.1(chr3:4171223-4530821)x3

Genes: ITPR1 (inositol 1,4,5-trisphosphate receptor type 1; plus strand), ITPR1-DT (ITPR1 divergent transcript; minus strand), SETMAR (SET and mariner transposase domain methyltransferase; plus strand), SUMF1 (sulfatase modifying factor 1; minus strand), LOC112935931 (Sharpr-MPRA regulatory region 4455; plus strand) and 14 more. Cytogenetic location: 3p26.1.
Variant type: copy number gain.
Change: copy number 3 (three copies instead of two) of chr3:4,171,223-4,530,821 (359.6 kb, GRCh38 coordinates, 1-based), cytogenetic band 3p26.1.
Identifiers: ClinVar variation 4796183 (VCV004796183.1).